The following is an entry in ClinVar:

ClinVar aggregate classification (germline): Uncertain significance (1 of 4 stars; one submission).

Submission:

Labcorp Genetics (formerly Invitae), Labcorp
Classification: Uncertain significance. Last evaluated: 2024-12-31. Review status: criteria provided, single submitter. Criteria: Invitae Variant Classification Sherloc (09022015). Collection method: clinical testing. Allele origin: germline.
Comment: This sequence change replaces alanine, which is neutral and non-polar, with threonine, which is neutral and polar, at codon 338 of the GPAA1 protein (p.Ala338Thr). This variant is not present in population databases (gnomAD no frequency). This variant has not been reported in the literature in individuals affected with GPAA1-related conditions. ClinVar contains an entry for this variant (Variation ID: 2047187). An algorithm developed to predict the effect of missense changes on protein structure and function outputs the following: PolyPhen-2: "Benign". The threonine amino acid residue is found in multiple mammalian species, which suggests that this missense change does not adversely affect protein function. In summary, the available evidence is currently insufficient to determine the role of this variant in disease. Therefore, it has been classified as a Variant of Uncertain Significance.

NM_003801.4(GPAA1):c.1012G>A (p.Ala338Thr)

Gene: GPAA1 (glycosylphosphatidylinositol anchor attachment 1; plus strand). Cytogenetic location: 8q24.3.
Variant type: single nucleotide variant.
Coding change: c.1012G>A on transcript NM_003801.4 (MANE Select); coding-DNA position 1012, G replaced by A.
Protein change: p.Ala338Thr; replaces alanine 338 with threonine.
Molecular consequence: missense variant.
Genome position (GRCh38, 1-based): chr8:144,084,723, G>A. VCF-style: chr8-144084723-G-A. GRCh37 (hg19) VCF-style: chr8-145139626-G-A.
Other names: short protein forms A338T.
Identifiers: ClinVar variation 2047187 (VCV002047187.4), dbSNP rs1554764095, ClinGen allele CA372500312.
Genomic context (GRCh38, chr8:144,084,723, plus strand): 5'-CGGAGTGGGGGATGGCCTGGTGGCTCTGGCCAGCCGTGAACCTGCCCCACACCTGACAGG[G>A]CTTTGGAGGGCATGTTCCGCAAGCTCAACCACCTCCTGGAGCGCCTGCACCAGTCCTTCT-3'
Protein context (NP_003792.1, residues 328-348): YKYDLVAVGK[Ala338Thr]LEGMFRKLNH